The following is an entry in ClinVar:

ClinVar aggregate classification (germline): Pathogenic (1 of 4 stars; one submission).

Submission:

Labcorp Genetics (formerly Invitae), Labcorp
Classification: Pathogenic. Last evaluated: 2025-12-22. Review status: criteria provided, single submitter. Criteria: Invitae Variant Classification Sherloc (09022015). Collection method: clinical testing. Allele origin: germline.
Comment: This sequence change creates a premature translational stop signal (p.Gln317Argfs*30) in the TET2 gene. It is expected to result in an absent or disrupted protein product. Loss-of-function variants in TET2 are known to be pathogenic (PMID: 36066697). This variant is not present in population databases (gnomAD no frequency). This variant has not been reported in the literature in individuals affected with TET2-related conditions. For these reasons, this variant has been classified as Pathogenic.

Literature cited by the submitters: PubMed 36066697.

NM_001127208.3(TET2):c.945del (p.Gln317fs)

Genes: TET2 (tet methylcytosine dioxygenase 2; plus strand), TET2-AS1 (TET2 antisense RNA 1; minus strand). Cytogenetic location: 4q24.
Variant type: Deletion.
Coding change: c.945del on transcript NM_001127208.3 (MANE Select); coding-DNA position 945, one base deleted (C; older notation c.945delC).
Protein change: p.Gln317fs; shifts the reading frame from glutamine 317.
Molecular consequence: frameshift variant.
Genome position (GRCh38, 1-based): chr4:105,234,887, C deleted; the last of 2 consecutive C bases (chr4:105,234,886-105,234,887); deleting either gives the same sequence. VCF-style (leftmost placement, unchanged base first): chr4-105234885-TC-T. GRCh37 (hg19) VCF-style: chr4-106156042-TC-T.
Other names: c.945del, p.Gln317fs (NM_017628.4); short protein forms Q317fs.
Identifiers: ClinVar variation 4769357 (VCV004769357.1).
Genomic context (GRCh38, chr4:105,234,885, plus strand): 5'-GCCTGTGATGCTGATGATGCTGATAATGCCAGTAAACTAGCTGCAATGCTAAATACCTGT[TC>T]CTTTCAGAAACCAGAACAACTACAACAACAAAAATCAGTTTTTGAGATATGCCCATCTCC-3'